The following is an entry in ClinVar:

Single allele

Genes: MALL (mal, T cell differentiation protein like; minus strand), MTLN (mitoregulin; minus strand), NPHP1 (nephrocystin 1; minus strand), LOC126806306 (P300/CBP strongly-dependent group 1 enhancer GRCh37_chr2:110906815-110908014; plus strand), LOC129934555 (ATAC-STARR-seq lymphoblastoid active region 16369; plus strand) and 2 more. Cytogenetic location: 2q13.
Variant type: Deletion.
Identifiers: ClinVar variation 453297 (VCV000453297.4).

ClinVar aggregate classification (germline): Pathogenic (0 of 4 stars; one submission).

Conditions:
Nephronophthisis 1 (NPHP1). Also called: Nephronophthisis familial juvenile. Identifiers: Orphanet 655, Orphanet 93592, MedGen C1855681, MONDO:0009728, OMIM 256100.
Senior-loken syndrome 3. Also called: SLSN3. Identifiers: Orphanet 3156, MedGen C1846980, MONDO:0011755, OMIM 606995.

Submission:

Undiagnosed Diseases Network, NIH
Classification: Pathogenic for Nephronophthisis 1; Senior-loken syndrome 3. Last evaluated: 2016-06-20. Review status: no assertion criteria provided. Collection method: clinical testing. Allele origin: inherited. Inheritance: Autosomal recessive inheritance. Affected: yes. Observed: 1 homozygote.
Comment: Pathogenic homozygous deletion based on previous publications

Literature cited by the submitters: PubMed 10839884; PubMed 10980528.